The following is an entry in ClinVar:

NM_173495.3(PTCHD1):c.2201T>A (p.Val734Glu)

Gene: PTCHD1 (patched domain containing 1; plus strand). Cytogenetic location: Xp22.11.
Variant type: single nucleotide variant.
Coding change: c.2201T>A on transcript NM_173495.3 (MANE Select); coding-DNA position 2201, T replaced by A.
Protein change: p.Val734Glu; replaces valine 734 with glutamic acid.
Molecular consequence: missense variant.
Genome position (GRCh38, 1-based): chrX:23,393,719, T>A. VCF-style: chrX-23393719-T-A. GRCh37 (hg19) VCF-style: chrX-23411836-T-A.
Other names: short protein forms V734E.
Identifiers: ClinVar variation 3365110 (VCV003365110.2).
Genomic context (GRCh38, chrX:23,393,719, plus strand): 5'-CGGCATTCCTGGTGGCAGATTCACTGATTAACGTCTGGATCACTCTCACAGTTGTGTCCG[T>A]GGAGTTTGGAGTGATAGGTTTCATGACATTATGGAAAGTAGAACTGGACTGCATTTCTGT-3'
Protein context (NP_775766.2, residues 724-744): NVWITLTVVS[Val734Glu]EFGVIGFMTL

ClinVar aggregate classification (germline): Uncertain significance (1 of 4 stars; one submission).

Submission:

GeneDx
Classification: Uncertain significance. Last evaluated: 2025-11-21. Review status: criteria provided, single submitter. Criteria: GeneDx Variant Classification Process June 2021. Collection method: clinical testing. Allele origin: germline.
Comment: Not observed at significant frequency in large population cohorts (gnomAD); In silico analysis supports that this missense variant has a deleterious effect on protein structure/function; Has not been previously published as pathogenic or benign to our knowledge